The following is an entry in ClinVar:

NM_000064.4(C3):c.3863A>G (p.Asp1288Gly)

Gene: C3 (complement C3; minus strand). Cytogenetic location: 19p13.3.
Variant type: single nucleotide variant.
Coding change: c.3863A>G on transcript NM_000064.4 (MANE Select); coding-DNA position 3863, A replaced by G.
Protein change: p.Asp1288Gly; replaces aspartic acid 1288 with glycine.
Molecular consequence: missense variant.
Genome position (GRCh38, 1-based): chr19:6,685,094, T>C on the plus strand (A>G on the coding strand, the complement: C3 is on the minus strand). VCF-style: chr19-6685094-T-C. GRCh37 (hg19) VCF-style: chr19-6685105-T-C.
Other names: short protein forms D1288G.
Identifiers: ClinVar variation 1500434 (VCV001500434.8), dbSNP rs2145396621, ClinGen allele CA403618485.

ClinVar aggregate classification (germline): Uncertain significance (1 of 4 stars; one submission).

Submission:

Labcorp Genetics (formerly Invitae), Labcorp
Classification: Uncertain significance. Last evaluated: 2022-11-16. Review status: criteria provided, single submitter. Criteria: Invitae Variant Classification Sherloc (09022015). Collection method: clinical testing. Allele origin: germline.
Comment: This sequence change replaces aspartic acid, which is acidic and polar, with glycine, which is neutral and non-polar, at codon 1288 of the C3 protein (p.Asp1288Gly). In summary, the available evidence is currently insufficient to determine the role of this variant in disease. Therefore, it has been classified as a Variant of Uncertain Significance. Advanced modeling of protein sequence and biophysical properties (such as structural, functional, and spatial information, amino acid conservation, physicochemical variation, residue mobility, and thermodynamic stability) performed at Invitae indicates that this missense variant is not expected to disrupt C3 protein function. ClinVar contains an entry for this variant (Variation ID: 1500434). This variant has not been reported in the literature in individuals affected with C3-related conditions. This variant is not present in population databases (gnomAD no frequency).